The following is an entry in ClinVar:

NM_152305.3(POGLUT1):c.976C>G (p.Gln326Glu)

Gene: POGLUT1 (protein O-glucosyltransferase 1; plus strand). Cytogenetic location: 3q13.33.
Variant type: single nucleotide variant.
Coding change: c.976C>G on transcript NM_152305.3 (MANE Select); coding-DNA position 976, C replaced by G.
Protein change: p.Gln326Glu; replaces glutamine 326 with glutamic acid.
Molecular consequence: missense variant. On other transcripts: non-coding transcript variant (1).
Genome position (GRCh38, 1-based): chr3:119,491,528, C>G. VCF-style: chr3-119491528-C-G. GRCh37 (hg19) VCF-style: chr3-119210375-C-G.
Other names: p.Gln326Glu; short protein forms Q326E.
Identifiers: ClinVar variation 4540908 (VCV004540908.1).

ClinVar aggregate classification (germline): Uncertain significance (1 of 4 stars; one submission).

gnomAD v4.1: 4 of 1,527,826 alleles (0.00026%); highest among the groups gnomAD compares: African/African-American, 0.0041%; no homozygotes.

Submission:

Mayo Clinic Laboratories, Mayo Clinic
Classification: Uncertain significance. Last evaluated: 2025-08-02. Review status: criteria provided, single submitter. Criteria: ACMG Guidelines, 2015. Collection method: clinical testing. Allele origin: germline. Observed: 1 variant allele.
Comment: BP4_moderate